The following is an entry in ClinVar:

ClinVar aggregate classification (germline): Conflicting classifications of pathogenicity. Review status: criteria provided, conflicting classifications (1 of 4 stars). 3 submissions from 3 submitters: Uncertain significance (2); Likely benign (1). Last evaluated 2025-12-15.

Conditions:
Cardiovascular phenotype. Identifiers: MedGen CN230736.

gnomAD v4.1: 8 of 1,549,054 alleles (0.00052%); highest among the groups gnomAD compares: Non-Finnish European, 0.00061%; no homozygotes.

Submissions (3):

Labcorp Genetics (formerly Invitae), Labcorp
Classification: Uncertain significance. Last evaluated: 2025-12-15. Review status: criteria provided, single submitter. Criteria: Invitae Variant Classification Sherloc (09022015). Collection method: clinical testing. Allele origin: germline.
Comment: This sequence change replaces proline, which is neutral and non-polar, with glutamine, which is neutral and polar, at codon 898 of the ZNF469 protein (p.Pro898Gln). This variant is not present in population databases (gnomAD no frequency). This variant has not been reported in the literature in individuals affected with ZNF469-related conditions. ClinVar contains an entry for this variant (Variation ID: 2414953). An algorithm developed to predict the effect of missense changes on protein structure and function outputs the following: PolyPhen-2: "Benign". The glutamine amino acid residue is found in multiple mammalian species, which suggests that this missense change does not adversely affect protein function. In summary, the available evidence is currently insufficient to determine the role of this variant in disease. Therefore, it has been classified as a Variant of Uncertain Significance.

Ambry Genetics
Classification: Likely benign for Cardiovascular phenotype. Last evaluated: 2025-05-08. Review status: criteria provided, single submitter. Criteria: Ambry Variant Classification Scheme 2023. Collection method: clinical testing. Allele origin: germline.

GeneDx
Classification: Uncertain significance. Last evaluated: 2024-03-29. Review status: criteria provided, single submitter. Criteria: GeneDx Variant Classification Process June 2021. Collection method: clinical testing. Allele origin: germline. Affected: yes.
Comment: Has not been previously published as pathogenic or benign to our knowledge; Not observed at significant frequency in large population cohorts (gnomAD); In silico analysis supports that this missense variant does not alter protein structure/function

NM_001367624.2(ZNF469):c.2693C>A (p.Pro898Gln)

Gene: ZNF469 (zinc finger protein 469; plus strand). Cytogenetic location: 16q24.2.
Variant type: single nucleotide variant.
Coding change: c.2693C>A on transcript NM_001367624.2 (MANE Select); coding-DNA position 2693, C replaced by A.
Protein change: p.Pro898Gln; replaces proline 898 with glutamine.
Molecular consequence: missense variant.
Genome position (GRCh38, 1-based): chr16:88,430,163, C>A. VCF-style: chr16-88430163-C-A. GRCh37 (hg19) VCF-style: chr16-88496571-C-A.
Other names: NM_001127464.1:c.2693C>A; short protein forms P898Q.
Identifiers: ClinVar variation 2414953 (VCV002414953.6), dbSNP rs754458926, ClinGen allele CA397074768.